The following is an entry in ClinVar:

NM_014953.5(DIS3):c.1462G>A (p.Asp488Asn)

Gene: DIS3 (DIS3 exosome endoribonuclease and 3'-5' exoribonuclease; minus strand). Cytogenetic location: 13q21.33.
Variant type: single nucleotide variant.
Coding change: c.1462G>A on transcript NM_014953.5 (MANE Select); coding-DNA position 1462, G replaced by A.
Protein change: p.Asp488Asn; replaces aspartic acid 488 with asparagine.
Molecular consequence: missense variant.
Genome position (GRCh38, 1-based): chr13:72,772,200, C>T on the plus strand (G>A on the coding strand, the complement: DIS3 is on the minus strand). VCF-style: chr13-72772200-C-T. GRCh37 (hg19) VCF-style: chr13-73346338-C-T.
Other names: c.1372G>A, p.Asp458Asn (NM_001128226.3); c.1093G>A, p.Asp365Asn (NM_001322348.2); c.976G>A, p.Asp326Asn (NM_001322349.2); short protein forms D326N, D365N, D458N, D488N.
Identifiers: ClinVar variation 4530097 (VCV004530097.1).
Genomic context (GRCh38, chr13:72,772,200, plus strand): 5'-CACTATTACATATGAATACCTCCAAATTTCCATTTTCGAGTTCTCGACAATGTAGAGCAT[C>T]GTCTATATCAGTACATCCTGGTGGGTCTACACTACAAATACACAGATGCCTCAGGTCTTC-3'
Protein context (NP_055768.3, residues 478-498): VDPPGCTDID[Asp488Asn]ALHCRELENG

ClinVar aggregate classification (somatic clinical impact): Tier II - Potential. Review status: criteria provided, single submitter (1 of 4 stars). 2 submissions from 1 submitter. Last evaluated 2024-10-04.

Conditions:
Cns neuroblastoma with FOXR2 activation. Identifiers: MedGen CN372171, MONDO:0859597.
Diffuse midline glioma, H3 K27M-mutant. Identifiers: MedGen C4289688, MONDO:0957196.

Submissions (2):

Institute for Genomic Medicine (IGM) Clinical Laboratory, Nationwide Children's Hospital
Classification: Tier II - Potential for Diffuse midline glioma, H3 K27M-mutant. Assertion type: diagnostic. Clinical significance: supports diagnosis. Last evaluated: 2024-10-04. Review status: criteria provided, single submitter. Criteria: AMP/ASCO/CAP Guidelines, 2017. Collection method: clinical testing. Allele origin: somatic. Affected: yes.
Comment: Variant has Tier II (potential) clinical significance as a diagnostic inclusion criterion in diffuse midline glioma, H3 K27M-mutant, based on the following evidence: 1) Documented in one or more cancer databases (e.g., St. Jude Pecan, COSMIC, CIViC, OncoKB). 2) Information in the literature supports potential biologic effect of variant (PMIDs: 20531386, 33147539). 3) Assists in diagnosis alone or along with other biomarkers based on small studies or few case reports (Evidence Level D; PMIDs: 24705251, 23917401).

Institute for Genomic Medicine (IGM) Clinical Laboratory, Nationwide Children's Hospital
Classification: Tier II - Potential for Cns neuroblastoma with FOXR2 activation. Assertion type: diagnostic. Clinical significance: supports diagnosis. Last evaluated: 2023-10-13. Review status: criteria provided, single submitter. Criteria: AMP/ASCO/CAP Guidelines, 2017. Collection method: clinical testing. Allele origin: somatic. Affected: yes.
Comment: Variant has Tier II (potential) clinical significance as a diagnostic inclusion criterion in cns neuroblastoma with FOXR2 activation, based on the following evidence: 1) Documented in one or more cancer databases (e.g., St. Jude Pecan, COSMIC, CIViC, OncoKB). 2) Information in the literature supports potential biologic effect of variant (PMID: 26193331). 3) Assists in diagnosis alone or along with other biomarkers based on small studies or few case reports (Evidence Level D; PMIDs: 26046463, 26193331, 35617957).

Literature cited by the submitters: PubMed 20531386; PubMed 33147539; PubMed 24705251; PubMed 23917401; PubMed 26193331; PubMed 26046463; PubMed 35617957.